The following is an entry in ClinVar:

ClinVar aggregate classification (germline): Likely benign. Review status: criteria provided, multiple submitters, no conflicts (2 of 4 stars). 2 submissions from 2 submitters: Likely benign (2). Last evaluated 2024-08-27.

Conditions:
Dilated cardiomyopathy 1G (CMD1G). Identifiers: Orphanet 154, MedGen C1858763, MONDO:0011400, OMIM 604145.
Autosomal recessive limb-girdle muscular dystrophy type 2J (LGMDR10). Also called: Limb-girdle muscular dystrophy, type 2J; MUSCULAR DYSTROPHY, LIMB-GIRDLE, AUTOSOMAL RECESSIVE 10. Identifiers: Orphanet 140922, MedGen C1837342, MONDO:0012127, OMIM 608807.

Allele frequency attached by ClinVar (database versions not stated): gnomAD exomes below 0.00001.
gnomAD v4.1: 3 of 1,608,834 alleles (0.00019%); highest among the groups gnomAD compares: African/African-American, 0.0013%; no homozygotes.

Submissions (2):

Labcorp Genetics (formerly Invitae), Labcorp
Classification: Likely benign for Dilated cardiomyopathy 1G; Autosomal recessive limb-girdle muscular dystrophy type 2J. Last evaluated: 2024-08-27. Review status: criteria provided, single submitter. Criteria: Invitae Variant Classification Sherloc (09022015). Collection method: clinical testing. Allele origin: germline.

GeneDx
Classification: Likely benign. Last evaluated: 2017-04-18. Review status: criteria provided, single submitter. Criteria: GeneDx Variant Classification (06012015). Collection method: clinical testing. Allele origin: germline. Affected: yes.
Comment: This variant is considered likely benign or benign based on one or more of the following criteria: it is a conservative change, it occurs at a poorly conserved position in the protein, it is predicted to be benign by multiple in silico algorithms, and/or has population frequency not consistent with disease.

NM_001267550.2(TTN):c.43480+19T>C

Gene: TTN (titin; minus strand). Cytogenetic location: 2q31.2.
Variant type: single nucleotide variant.
Coding change: c.43480+19T>C on transcript NM_001267550.2 (MANE Select); 19 bases into the intron after coding-DNA position 43480, T replaced by C.
Molecular consequence: intron variant.
Genome position (GRCh38, 1-based): chr2:178,632,507, A>G on the plus strand (T>C on the coding strand, the complement: TTN is on the minus strand). VCF-style: chr2-178632507-A-G. GRCh37 (hg19) VCF-style: chr2-179497234-A-G.
Other names: c.38557+19T>C (NM_001256850.1); c.16285+19T>C (NM_003319.4); c.16861+19T>C (NM_133437.4); c.16660+19T>C (NM_133432.3); c.35776+19T>C (NM_133378.4).
Identifiers: ClinVar variation 509079 (VCV000509079.3), dbSNP rs1346343042, ClinGen allele CA538435973.
Genomic context (GRCh38, chr2:178,632,507, plus strand): 5'-GAAGCACTTTAAAGAAGAAATATAAAACTAAAGGCAAAAAAAATGATTTTGGGGTGGACT[A>G]TTTGATAAAACTATTTACCTTCAATGATCAGTTTGCCACTTGTGTGCTTATCTTCAGCTT-3'